The following is an entry in ClinVar:

ClinVar aggregate classification (germline): Uncertain significance (1 of 4 stars; one submission).

Submission:

Labcorp Genetics (formerly Invitae), Labcorp
Classification: Uncertain significance. Last evaluated: 2024-07-16. Review status: criteria provided, single submitter. Criteria: Invitae Variant Classification Sherloc (09022015). Collection method: clinical testing. Allele origin: germline.
Comment: This sequence change replaces serine, which is neutral and polar, with glycine, which is neutral and non-polar, at codon 1191 of the AHDC1 protein (p.Ser1191Gly). This variant is not present in population databases (gnomAD no frequency). This variant has not been reported in the literature in individuals affected with AHDC1-related conditions. An algorithm developed to predict the effect of missense changes on protein structure and function (PolyPhen-2) suggests that this variant is likely to be tolerated. In summary, the available evidence is currently insufficient to determine the role of this variant in disease. Therefore, it has been classified as a Variant of Uncertain Significance.

NM_001371928.1(AHDC1):c.3571A>G (p.Ser1191Gly)

Gene: AHDC1 (AT-hook DNA binding motif containing 1; minus strand). Cytogenetic location: 1p36.11.
Variant type: single nucleotide variant.
Coding change: c.3571A>G on transcript NM_001371928.1 (MANE Select); coding-DNA position 3571, A replaced by G.
Protein change: p.Ser1191Gly; replaces serine 1191 with glycine.
Molecular consequence: missense variant.
Genome position (GRCh38, 1-based): chr1:27,548,545, T>C on the plus strand (A>G on the coding strand, the complement: AHDC1 is on the minus strand). VCF-style: chr1-27548545-T-C. GRCh37 (hg19) VCF-style: chr1-27875056-T-C.
Other names: c.3571A>G, p.Ser1191Gly (NM_001029882.3); short protein forms S1191G.
Identifiers: ClinVar variation 3671501 (VCV003671501.2).